The following continues an entry in ClinVar:

NM_006912.6(RIT1):c.244T>G (p.Phe82Val)

Gene: RIT1. ClinVar aggregate classification (germline): Pathogenic. Pathogenic (16).

Submissions 13 to 19 of 19:

Rady Children's Institute for Genomic Medicine, Rady Children's Hospital San Diego
Classification: Pathogenic for NOONAN SYNDROME 8. Last evaluated: 2020-05-28. Review status: criteria provided, single submitter. Criteria: ACMG Guidelines, 2015. Collection method: clinical testing. Allele origin: germline. Affected: yes.
Comment: This variant is also known as c.244T>G (p.F82V) on the alternate transcript NM_006912.4 (PMID: 23791108, 25049390, 24939608, 27226556). This variant has been previously reported as a de novo heterozygous change in patients with Noonan Syndrome (NS; PMID: 23791108, 25049390, 24939608, 27848944). In one study, this alteration was identified together with a variant in the RASA2 gene (p.Y326C), and both alterations increased ERK activation in in-vitro transfection experiments (PMID: 25049390). Additionally, this variant has been identified in patients with myeloid malignancies (PMID: 27226556, 23765226). Functional characterization indicates that this variant, located in the RAS switch II domain important for GTPase activity, is a gain-of-function alteration that leads to activation of the RAS-ERK pathway by impairing GTP hydrolysis (PMID: 23791108, 27226556). It is absent from the gnomAD population database and thus is presumed to be rare. In silico analyses support a deleterious effect of the c.295T>G (p.Phe99Val) variant on protein function. Based on the available evidence, the c.295T>G (p.Phe99Val) variant is classified as Pathogenic.

Ambry Genetics
Classification: Pathogenic for Cardiovascular phenotype. Last evaluated: 2020-01-06. Review status: criteria provided, single submitter. Criteria: Ambry Variant Classification Scheme 2023. Collection method: clinical testing. Allele origin: germline.
Comment: The p.F82V pathogenic mutation (also known as c.244T>G), located in coding exon 4 of the RIT1 gene, results from a T to G substitution at nucleotide position 244. The phenylalanine at codon 82 is replaced by valine, an amino acid with highly similar properties. This mutation was identified in multiple individuals with Noonan syndrome, including several de novo cases (Aoki Y et al. Am. J. Hum. Genet., 2013 Jul;93:173-80; Gos M et al. Am. J. Med. Genet. A, 2014 Sep;164A:2310-6; Chen PC et al. Proc. Natl. Acad. Sci. U.S.A., 2014 Aug;111:11473-8; Cav&eacute; H et al. Eur. J. Hum. Genet., 2016 08;24:1124-31; Fang Z et al. J. Biol. Chem., 2016 07;291:15641-52; Kouz K et al. Genet. Med., 2016 12;18:1226-1234). Functional studies demonstrated that this variant increased the GTP-loaded, activated state of RIT1 and impaired GTP hydrolysis (Fang Z et al. J. Biol. Chem., 2016 07;291:15641-52) and increased Elk1 transactivation compared to wild type (Yaoita M et al. Hum. Genet., 2016 Feb;135:209-22). In addition, a known disease-causing mutation, p.F82L, has been described in the same codon in individuals with Noonan syndrome (Cav&eacute; H et al. Eur. J. Hum. Genet., 2016 08;24:1124-31). Based on the supporting evidence, the p.F82V alteration is interpreted as a disease-causing mutation.

Genome Diagnostics Laboratory, The Hospital for Sick Children
Classification: Pathogenic for Noonan syndrome and Noonan-related syndrome. Last evaluated: 2017-05-10. Review status: criteria provided, single submitter. Criteria: ACMG Guidelines, 2015. Collection method: clinical testing. Allele origin: germline. Affected: yes.

CENTOGENE GmbH and LLC - Guiding Precision Medicine
Classification: Pathogenic for Noonan syndrome 8. Review status: criteria provided, single submitter. Criteria: ACMG Guidelines, 2015. Collection method: clinical testing. Allele origin: de novo. Affected: yes.

Biochemical Molecular Genetic Laboratory, King Abdulaziz Medical City
Classification: Likely pathogenic for Noonan syndrome 8. Last evaluated: 2019-09-26. Review status: no assertion criteria provided. Collection method: clinical testing. Allele origin: germline. Affected: yes. Not counted in ClinVar's aggregate classification.

OMIM
Classification: Pathogenic for NOONAN SYNDROME 8. Last evaluated: 2014-09-01. Review status: no assertion criteria provided. Collection method: literature only. Allele origin: germline. Not counted in ClinVar's aggregate classification.

Service de Génétique Moléculaire, Hôpital Robert Debré
Classification: Pathogenic for Noonan's syndrome. Review status: no assertion criteria provided. Criteria: clinical testing. Collection method: clinical testing. Allele origin: unknown, maternal. Affected: yes. Observed: 2 variant alleles. Not counted in ClinVar's aggregate classification.

Literature cited by the submitters: PubMed 23791108 (cited by 5 submitters); PubMed 24939608 (cited by 4 submitters); PubMed 25049390 (cited by 4 submitters); PubMed 26757980 (cited by 4 submitters); PubMed 27101134 (cited by 4 submitters); PubMed 26714497 (cited by 4 submitters); PubMed 27226556 (cited by 4 submitters); PubMed 25124994 (cited by Dasa); PubMed 26242988 (cited by Dasa); PubMed 34008892 (cited by Laboratory of Medical Genetics, National & Kapodistrian University of Athens); PubMed 32860008 (cited by CENTOGENE GmbH and LLC - Guiding Precision Medicine).